The following is an entry in ClinVar:

NM_138715.3(MSR1):c.969C>T (p.Ala323=)

Gene: MSR1 (macrophage scavenger receptor 1; minus strand). Cytogenetic location: 8p22.
Variant type: single nucleotide variant.
Coding change: c.969C>T on transcript NM_138715.3 (MANE Select); coding-DNA position 969, C replaced by T.
Protein change: p.Ala323=; no amino-acid change (alanine 323 retained).
Molecular consequence: synonymous variant.
Genome position (GRCh38, 1-based): chr8:16,150,241, G>A on the plus strand (C>T on the coding strand, the complement: MSR1 is on the minus strand). VCF-style: chr8-16150241-G-A. GRCh37 (hg19) VCF-style: chr8-16007750-G-A.
Other names: c.1023C>T, p.Ala341= (NM_001363744.1); c.969C>T, p.Ala323= (NM_002445.4, NM_138716.3).
Identifiers: ClinVar variation 4822484 (VCV004822484.4).

ClinVar aggregate classification (germline): Likely benign (1 of 4 stars; one submission).

gnomAD v4.1: 20 of 1,532,388 alleles (0.0013%); highest among the groups gnomAD compares: South Asian, 0.005%; no homozygotes.

Submission:

CeGaT Center for Human Genetics Tuebingen
Classification: Likely benign. Last evaluated: 2026-03-01. Review status: criteria provided, single submitter. Criteria: CeGaT Center For Human Genetics Tuebingen Variant Classification Criteria Version 2. Collection method: clinical testing. Allele origin: germline. Affected: yes. Observed: 1 variant allele.
Comment: MSR1: BP4, BP7